The following is an entry in ClinVar:

ClinVar aggregate classification (germline): Uncertain significance (1 of 4 stars; one submission).

Allele frequency attached by ClinVar (database versions not stated): gnomAD 0.00004 and 0.00003; TOPMed 0.00001.
gnomAD v4.1: 27 of 1,597,408 alleles (0.0017%); highest among the groups gnomAD compares: Non-Finnish European, 0.0022%; no homozygotes.

Submission:

Labcorp Genetics (formerly Invitae), Labcorp
Classification: Uncertain significance. Last evaluated: 2024-01-24. Review status: criteria provided, single submitter. Criteria: Invitae Variant Classification Sherloc (09022015). Collection method: clinical testing. Allele origin: germline.
Comment: This sequence change replaces arginine, which is basic and polar, with lysine, which is basic and polar, at codon 236 of the TONSL protein (p.Arg236Lys). The frequency data for this variant in the population databases is considered unreliable, as metrics indicate poor data quality at this position in the gnomAD database. This variant has not been reported in the literature in individuals affected with TONSL-related conditions. ClinVar contains an entry for this variant (Variation ID: 1525310). Advanced modeling of protein sequence and biophysical properties (such as structural, functional, and spatial information, amino acid conservation, physicochemical variation, residue mobility, and thermodynamic stability) performed at Invitae indicates that this missense variant is not expected to disrupt TONSL protein function with a negative predictive value of 80%. In summary, the available evidence is currently insufficient to determine the role of this variant in disease. Therefore, it has been classified as a Variant of Uncertain Significance.

NM_013432.5(TONSL):c.707G>A (p.Arg236Lys)

Gene: TONSL (tonsoku like, DNA repair protein; minus strand). Cytogenetic location: 8q24.3.
Variant type: single nucleotide variant.
Coding change: c.707G>A on transcript NM_013432.5 (MANE Select); coding-DNA position 707, G replaced by A.
Protein change: p.Arg236Lys; replaces arginine 236 with lysine.
Molecular consequence: missense variant.
Genome position (GRCh38, 1-based): chr8:144,442,284, C>T on the plus strand (G>A on the coding strand, the complement: TONSL is on the minus strand). VCF-style: chr8-144442284-C-T. GRCh37 (hg19) VCF-style: chr8-145667667-C-T.
Other names: short protein forms R236K.
Identifiers: ClinVar variation 1525310 (VCV001525310.6), dbSNP rs373966287, ClinGen allele CA187676482.